The following is an entry in ClinVar:

NM_014580.5(SLC2A8):c.18A>C (p.Pro6=)

Genes: SLC2A8 (solute carrier family 2 member 8; plus strand), LOC130002645 (ATAC-STARR-seq lymphoblastoid silent region 20302; plus strand). Cytogenetic location: 9q33.3.
Variant type: single nucleotide variant.
Coding change: c.18A>C on transcript NM_014580.5 (MANE Select); coding-DNA position 18, A replaced by C.
Protein change: p.Pro6=; no amino-acid change (proline 6 retained).
Molecular consequence: synonymous variant. On other transcripts: 5 prime UTR variant (1), non-coding transcript variant (1).
Genome position (GRCh38, 1-based): chr9:127,397,248, A>C. VCF-style: chr9-127397248-A-C. GRCh37 (hg19) VCF-style: chr9-130159527-A-C.
Other names: c.18A>C, p.Pro6= (NM_001271711.2); c.-102A>C (NM_001271712.2).
Identifiers: ClinVar variation 2659499 (VCV002659499.24), dbSNP rs966069923, ClinGen allele CA199831893.

ClinVar aggregate classification (germline): Likely benign (1 of 4 stars; one submission).

Allele frequency attached by ClinVar (database versions not stated): gnomAD 0.00001; TOPMed 0.00002.
gnomAD v4.1: 23 of 1,440,034 alleles (0.0016%); highest among the groups gnomAD compares: Middle Eastern, 0.041%; no homozygotes.

Submission:

CeGaT Center for Human Genetics Tuebingen
Classification: Likely benign. Last evaluated: 2022-07-01. Review status: criteria provided, single submitter. Criteria: CeGaT Center For Human Genetics Tuebingen Variant Classification Criteria Version 2. Collection method: clinical testing. Allele origin: germline. Affected: yes. Observed: 1 variant allele.
Comment: SLC2A8: BP4, BP7